The following is an entry in ClinVar:

ClinVar aggregate classification (germline): Uncertain significance (1 of 4 stars; one submission).

Conditions:
Multiple endocrine neoplasia, type 1 (MEN1). Also called: Endocrine adenomatosis multiple; MEN 1; MEA I; MEN I; WERMER SYNDROME. Identifiers: Orphanet 652, MedGen C0025267, MeSH D018761, MONDO:0007540, OMIM 131100.

Submission:

Labcorp Genetics (formerly Invitae), Labcorp
Classification: Uncertain significance for Multiple endocrine neoplasia, type 1. Last evaluated: 2022-10-17. Review status: criteria provided, single submitter. Criteria: Invitae Variant Classification Sherloc (09022015). Collection method: clinical testing. Allele origin: germline.
Comment: This variant has not been reported in the literature in individuals affected with MEN1-related conditions. This sequence change replaces aspartic acid, which is acidic and polar, with glutamic acid, which is acidic and polar, at codon 70 of the MEN1 protein (p.Asp70Glu). This variant is not present in population databases (gnomAD no frequency). ClinVar contains an entry for this variant (Variation ID: 1444546). Algorithms developed to predict the effect of missense changes on protein structure and function (SIFT, PolyPhen-2, Align-GVGD) all suggest that this variant is likely to be tolerated. In summary, the available evidence is currently insufficient to determine the role of this variant in disease. Therefore, it has been classified as a Variant of Uncertain Significance.

NM_001370259.2(MEN1):c.210C>G (p.Asp70Glu)

Gene: MEN1 (menin 1; minus strand). Cytogenetic location: 11q13.1.
Variant type: single nucleotide variant.
Coding change: c.210C>G on transcript NM_001370259.2 (MANE Select); coding-DNA position 210, C replaced by G.
Protein change: p.Asp70Glu; replaces aspartic acid 70 with glutamic acid.
Molecular consequence: missense variant.
Genome position (GRCh38, 1-based): chr11:64,809,900, G>C on the plus strand (C>G on the coding strand, the complement: MEN1 is on the minus strand). VCF-style: chr11-64809900-G-C. GRCh37 (hg19) VCF-style: chr11-64577372-G-C.
Other names: c.210C>G, p.Asp70Glu (NM_000244.4, NM_001370251.2, NM_001370260.2 and 9 more transcripts); short protein forms D70E.
Identifiers: ClinVar variation 1444546 (VCV001444546.6), dbSNP rs150308912, ClinGen allele CA381187640.